The following is an entry in ClinVar:

ClinVar aggregate classification (germline): Uncertain significance. Review status: criteria provided, multiple submitters, no conflicts (2 of 4 stars). 2 submissions from 2 submitters: Uncertain significance (2). Last evaluated 2025-04-30.

Conditions:
Inborn genetic diseases. Identifiers: MedGen C0950123, MeSH D030342.
Bethlem myopathy 1A. Also called: Bethlem Muscular Dystrophy; MYOPATHY, BENIGN CONGENITAL, WITH CONTRACTURES; Bethlem myopathy 1. Identifiers: Orphanet 610, MedGen CN029274, MONDO:0024530, OMIM 158810.

Allele frequency attached by ClinVar (database versions not stated): gnomAD exomes 0.00002; ExAC 0.00003; gnomAD 0.00003; TOPMed 0.00004.
gnomAD v4.1: 57 of 1,608,106 alleles (0.0035%); highest among the groups gnomAD compares: Middle Eastern, 0.082%; no homozygotes.

Submissions (2):

Labcorp Genetics (formerly Invitae), Labcorp
Classification: Uncertain significance for Bethlem myopathy 1A. Last evaluated: 2025-04-30. Review status: criteria provided, single submitter. Criteria: Invitae Variant Classification Sherloc (09022015). Collection method: clinical testing. Allele origin: germline.
Comment: This sequence change replaces proline, which is neutral and non-polar, with leucine, which is neutral and non-polar, at codon 288 of the COL6A2 protein (p.Pro288Leu). The frequency data for this variant in the population databases is considered unreliable, as metrics indicate poor data quality at this position in the gnomAD database. This variant has not been reported in the literature in individuals affected with COL6A2-related conditions. ClinVar contains an entry for this variant (Variation ID: 476495). Invitae Evidence Modeling of protein sequence and biophysical properties (such as structural, functional, and spatial information, amino acid conservation, physicochemical variation, residue mobility, and thermodynamic stability) indicates that this missense variant is not expected to disrupt COL6A2 protein function with a negative predictive value of 80%. In summary, the available evidence is currently insufficient to determine the role of this variant in disease. Therefore, it has been classified as a Variant of Uncertain Significance.

Ambry Genetics
Classification: Uncertain significance for Inborn genetic diseases. Last evaluated: 2025-03-05. Review status: criteria provided, single submitter. Criteria: Ambry Variant Classification Scheme 2023. Collection method: clinical testing. Allele origin: germline.

NM_001849.4(COL6A2):c.863C>T (p.Pro288Leu)

Gene: COL6A2 (collagen type VI alpha 2 chain; plus strand). Cytogenetic location: 21q22.3.
Variant type: single nucleotide variant.
Coding change: c.863C>T on transcript NM_001849.4 (MANE Select); coding-DNA position 863, C replaced by T.
Protein change: p.Pro288Leu; replaces proline 288 with leucine.
Molecular consequence: missense variant.
Genome position (GRCh38, 1-based): chr21:46,116,016, C>T. VCF-style: chr21-46116016-C-T. GRCh37 (hg19) VCF-style: chr21-47535930-C-T.
Other names: c.863C>T, p.Pro288Leu (NM_058174.3, NM_058175.3); short protein forms P288L.
Identifiers: ClinVar variation 476495 (VCV000476495.8), dbSNP rs745566911, ClinGen allele CA10071514.